The following is an entry in ClinVar:

ClinVar aggregate classification (germline): Benign (1 of 4 stars; one submission).

Conditions:
Familial cancer of breast. Also called: BREAST CANCER, FAMILIAL; Hereditary breast cancer; hereditary breast carcinoma. Identifiers: Orphanet 227535, MedGen C0346153, MONDO:0016419, OMIM 114480. Disease mechanism: loss of function.

gnomAD v4.1: 75,405 of 1,595,502 alleles (4.7%); highest among the groups gnomAD compares: Middle Eastern, 7.1%; 2,161 homozygotes.

Submission:

Genomic Medicine Laboratory, Hospital de Clinicas de Porto Alegre
Classification: Benign for Familial cancer of breast. Last evaluated: 2026-08-07. Review status: criteria provided, single submitter. Criteria: ACGS UK Practice Guidelines For Variant Classification V12 2024. Collection method: research. Allele origin: germline. Affected: yes. Observed: 3 variant alleles.
Comment: BA1: Allele frequency is above 5%

NM_199420.4(POLQ):c.6406-16C>T

Gene: POLQ (DNA polymerase theta; minus strand). Cytogenetic location: 3q13.33.
Variant type: single nucleotide variant.
Coding change: c.6406-16C>T on transcript NM_199420.4 (MANE Select); 16 bases into the intron before coding-DNA position 6406, C replaced by T.
Molecular consequence: intron variant.
Genome position (GRCh38, 1-based): chr3:121,473,503, G>A on the plus strand (C>T on the coding strand, the complement: POLQ is on the minus strand). VCF-style: chr3-121473503-G-A. GRCh37 (hg19) VCF-style: chr3-121192350-G-A.
Identifiers: ClinVar variation 4888231 (VCV004888231.1), dbSNP rs3218647.
Genomic context (GRCh38, chr3:121,473,503, plus strand): 5'-TTTCATCTCTCTATTTGGGGGCAACTTCAATTCCAAAAATAAAACCTGCAAGAAATTAAT[G>A]TCTCTTTAGTCAAGAATGAAACTTGCAAGGATTATCATTCAGAAAATATTTTAAGTTATT-3'